The following is an entry in ClinVar:

NM_152468.5(TMC8):c.605G>A (p.Arg202His)

Gene: TMC8 (transmembrane channel like 8; plus strand). Cytogenetic location: 17q25.3.
Variant type: single nucleotide variant.
Coding change: c.605G>A on transcript NM_152468.5 (MANE Select); coding-DNA position 605, G replaced by A.
Protein change: p.Arg202His; replaces arginine 202 with histidine.
Molecular consequence: missense variant.
Genome position (GRCh38, 1-based): chr17:78,133,479, G>A. VCF-style: chr17-78133479-G-A. GRCh37 (hg19) VCF-style: chr17-76129560-G-A.
Other names: short protein forms R202H.
Identifiers: ClinVar variation 578709 (VCV000578709.9), dbSNP rs374504400, ClinGen allele CA8796532.

ClinVar aggregate classification (germline): Uncertain significance. Review status: criteria provided, multiple submitters, no conflicts (2 of 4 stars). 2 submissions from 2 submitters: Uncertain significance (2). Last evaluated 2024-01-08.

Conditions:
Epidermodysplasia verruciformis. Identifiers: Orphanet 302, MedGen C0014522, MONDO:0009176.
Inborn genetic diseases. Identifiers: MedGen C0950123, MeSH D030342.

Allele frequency attached by ClinVar (database versions not stated): gnomAD exomes 0.00004 and 0.00006; ExAC 0.00007; gnomAD 0.00007 and 0.00009; TOPMed 0.00009; ESP Exome Variant Server 0.00031.

Submissions (2):

Labcorp Genetics (formerly Invitae), Labcorp
Classification: Uncertain significance for Epidermodysplasia verruciformis. Last evaluated: 2024-01-08. Review status: criteria provided, single submitter. Criteria: Invitae Variant Classification Sherloc (09022015). Collection method: clinical testing. Allele origin: germline.
Comment: This sequence change replaces arginine, which is basic and polar, with histidine, which is basic and polar, at codon 202 of the TMC8 protein (p.Arg202His). This variant is present in population databases (rs374504400, gnomAD 0.01%). This variant has not been reported in the literature in individuals affected with TMC8-related conditions. ClinVar contains an entry for this variant (Variation ID: 578709). Advanced modeling of protein sequence and biophysical properties (such as structural, functional, and spatial information, amino acid conservation, physicochemical variation, residue mobility, and thermodynamic stability) performed at Invitae indicates that this missense variant is not expected to disrupt TMC8 protein function with a negative predictive value of 80%. In summary, the available evidence is currently insufficient to determine the role of this variant in disease. Therefore, it has been classified as a Variant of Uncertain Significance.

Ambry Genetics
Classification: Uncertain significance for Inborn genetic diseases. Last evaluated: 2022-02-02. Review status: criteria provided, single submitter. Criteria: Ambry Variant Classification Scheme 2023. Collection method: clinical testing. Allele origin: germline.